The following is an entry in ClinVar:

ClinVar aggregate classification (germline): Uncertain significance. Review status: criteria provided, multiple submitters, no conflicts (2 of 4 stars). 3 submissions from 3 submitters: Uncertain significance (3). Last evaluated 2024-06-17.

Conditions:
Inborn genetic diseases. Identifiers: MedGen C0950123, MeSH D030342.
Intellectual disability, CASK-related, X-linked. Identifiers: MedGen CN043158.

Submissions (3):

GeneDx
Classification: Uncertain significance. Last evaluated: 2024-06-17. Review status: criteria provided, single submitter. Criteria: GeneDx Variant Classification Process June 2021. Collection method: clinical testing. Allele origin: germline. Affected: yes.
Comment: Not observed at significant frequency in large population cohorts (gnomAD); In silico analysis supports that this missense variant has a deleterious effect on protein structure/function; Has not been previously published as pathogenic or benign to our knowledge

Ambry Genetics
Classification: Uncertain significance for Inborn genetic diseases. Last evaluated: 2024-04-29. Review status: criteria provided, single submitter. Criteria: Ambry Variant Classification Scheme 2023. Collection method: clinical testing. Allele origin: germline.
Comment: The c.62G>A (p.G21D) alteration is located in exon 2 (coding exon 2) of the CASK gene. This alteration results from a G to A substitution at nucleotide position 62, causing the glycine (G) at amino acid position 21 to be replaced by an aspartic acid (D). This variant was not reported in population-based cohorts in the Genome Aggregation Database (gnomAD). This amino acid position is highly conserved in available vertebrate species. This alteration is predicted to be deleterious by in silico analysis. Based on insufficient or conflicting evidence, the clinical significance of this alteration remains unclear.

Labcorp Genetics (formerly Invitae), Labcorp
Classification: Uncertain significance for Intellectual disability, CASK-related, X-linked. Last evaluated: 2023-10-13. Review status: criteria provided, single submitter. Criteria: Invitae Variant Classification Sherloc (09022015). Collection method: clinical testing. Allele origin: germline.
Comment: This sequence change replaces glycine, which is neutral and non-polar, with aspartic acid, which is acidic and polar, at codon 21 of the CASK protein (p.Gly21Asp). This variant is not present in population databases (gnomAD no frequency). This variant has not been reported in the literature in individuals affected with CASK-related conditions. ClinVar contains an entry for this variant (Variation ID: 959483). An algorithm developed to predict the effect of missense changes on protein structure and function (PolyPhen-2) suggests that this variant is likely to be disruptive. In summary, the available evidence is currently insufficient to determine the role of this variant in disease. Therefore, it has been classified as a Variant of Uncertain Significance.

NM_001367721.1(CASK):c.62G>A (p.Gly21Asp)

Gene: CASK (calcium/calmodulin dependent serine protein kinase; minus strand). Cytogenetic location: Xp11.4.
Variant type: single nucleotide variant.
Coding change: c.62G>A on transcript NM_001367721.1 (MANE Select); coding-DNA position 62, G replaced by A.
Protein change: p.Gly21Asp; replaces glycine 21 with aspartic acid.
Molecular consequence: missense variant.
Genome position (GRCh38, 1-based): chrX:41,853,225, C>T on the plus strand (G>A on the coding strand, the complement: CASK is on the minus strand). VCF-style: chrX-41853225-C-T. GRCh37 (hg19) VCF-style: chrX-41712478-C-T.
Other names: c.62G>A, p.Gly21Asp (NM_001126054.3, NM_001126055.3, NM_001410745.1 and 1 more transcripts); short protein forms G21D.
Identifiers: ClinVar variation 959483 (VCV000959483.11), dbSNP rs2071299462, ClinGen allele CA413001061.